The following is an entry in ClinVar:

NM_000383.4(AIRE):c.491A>G (p.Lys164Arg)

Gene: AIRE (autoimmune regulator; plus strand). Cytogenetic location: 21q22.3.
Variant type: single nucleotide variant.
Coding change: c.491A>G on transcript NM_000383.4 (MANE Select); coding-DNA position 491, A replaced by G.
Protein change: p.Lys164Arg; replaces lysine 164 with arginine.
Molecular consequence: missense variant.
Genome position (GRCh38, 1-based): chr21:44,287,544, A>G. VCF-style: chr21-44287544-A-G. GRCh37 (hg19) VCF-style: chr21-45707427-A-G.
Other names: short protein forms K164R.
Identifiers: ClinVar variation 2188370 (VCV002188370.2), dbSNP rs1399995370, ClinGen allele CA410423945.
Genomic context (GRCh38, chr21:44,287,544, plus strand): 5'-GGAGGCCAGGCTGCCCCCAGCTCCCCCATTCAGGCTCTCAACTGAAGGCCAAGCCCCCCA[A>G]GAAGCCGGAGAGCAGCGCAGAGCAGCAGCGCCTTCCACTCGGGAACGGTGAGCGGGGCCC-3'
Protein context (NP_000374.1, residues 154-174): PGSQLKAKPP[Lys164Arg]KPESSAEQQR

ClinVar aggregate classification (germline): Uncertain significance. Review status: criteria provided, multiple submitters, no conflicts (2 of 4 stars). 2 submissions from 2 submitters: Uncertain significance (2). Last evaluated 2025-03-25.

Conditions:
Inborn genetic diseases. Identifiers: MedGen C0950123, MeSH D030342.
Polyglandular autoimmune syndrome, type 1 (APS1). Also called: PGA I; Autoimmune polyendocrine syndrome type 1; HYPOADRENOCORTICISM WITH HYPOPARATHYROIDISM AND SUPERFICIAL MONILIASIS; Whitaker syndrome; Autoimmune polyendocrinopathy syndrome, type I; AUTOIMMUNE POLYENDOCRINE SYNDROME, TYPE I, WITH OR WITHOUT REVERSIBLE METAPHYSEAL DYSPLASIA. Identifiers: Orphanet 3453, MedGen C0085859, MONDO:0009411, OMIM 240300.

Allele frequency attached by ClinVar (database versions not stated): gnomAD exomes below 0.00001.
gnomAD v4.1: 3 of 1,558,756 alleles (0.00019%); highest among the groups gnomAD compares: Non-Finnish European, 0.00026%; no homozygotes.

Submissions (2):

Ambry Genetics
Classification: Uncertain significance for Inborn genetic diseases. Last evaluated: 2025-03-25. Review status: criteria provided, single submitter. Criteria: Ambry Variant Classification Scheme 2023. Collection method: clinical testing. Allele origin: germline.

Labcorp Genetics (formerly Invitae), Labcorp
Classification: Uncertain significance for Polyglandular autoimmune syndrome, type 1. Last evaluated: 2022-03-11. Review status: criteria provided, single submitter. Criteria: Invitae Variant Classification Sherloc (09022015). Collection method: clinical testing. Allele origin: germline.
Comment: This sequence change replaces lysine, which is basic and polar, with arginine, which is basic and polar, at codon 164 of the AIRE protein (p.Lys164Arg). The frequency data for this variant in the population databases is considered unreliable, as metrics indicate poor data quality at this position in the gnomAD database. This variant has not been reported in the literature in individuals affected with AIRE-related conditions. Algorithms developed to predict the effect of missense changes on protein structure and function output the following: SIFT: "Tolerated"; PolyPhen-2: "Benign"; Align-GVGD: "Class C0". The arginine amino acid residue is found in multiple mammalian species, which suggests that this missense change does not adversely affect protein function. In summary, the available evidence is currently insufficient to determine the role of this variant in disease. Therefore, it has been classified as a Variant of Uncertain Significance.